The following is an entry in ClinVar:

NM_000334.4(SCN4A):c.5363G>A (p.Ser1788Asn)

Genes: GH-LCR (growth hormone locus control region; plus strand), SCN4A (sodium voltage-gated channel alpha subunit 4; minus strand). Cytogenetic location: 17q23.3.
Variant type: single nucleotide variant.
Coding change: c.5363G>A on transcript NM_000334.4 (MANE Select); coding-DNA position 5363, G replaced by A.
Protein change: p.Ser1788Asn; replaces serine 1788 with asparagine.
Molecular consequence: missense variant.
Genome position (GRCh38, 1-based): chr17:63,940,919, C>T on the plus strand (G>A on the coding strand, the complement: SCN4A is on the minus strand). VCF-style: chr17-63940919-C-T. GRCh37 (hg19) VCF-style: chr17-62018279-C-T.
Other names: short protein forms S1788N.
Identifiers: ClinVar variation 2862390 (VCV002862390.3), dbSNP rs1374689731, ClinGen allele CA400610602.
Genomic context (GRCh38, chr17:63,940,919, plus strand): 5'-ATCAGCCCCATAGTGGGTCCGGCGTCCCCTGCCTCGCCCTTCTCCTCCGGGCTTGGCGAG[C>T]TGCTGTTCCCATTCTCGTGGCCATACATCTTGCTCATGGTGTTGGCAAGCAGCCCCTCCT-3'
Protein context (NP_000325.4, residues 1778-1798): KMYGHENGNS[Ser1788Asn]SPSPEEKGEA

ClinVar aggregate classification (germline): Uncertain significance (1 of 4 stars; one submission).

Conditions:
Hyperkalemic periodic paralysis. Also called: Familial hyperkalemic periodic paralysis; Gamstorp disease. Identifiers: Orphanet 682, MedGen C0238357, MONDO:0008224, OMIM 170500, HP:0007215.

Allele frequency attached by ClinVar (database versions not stated): gnomAD 0.00001; gnomAD exomes 0.00001; TOPMed 0.00002.
gnomAD v4.1: 10 of 1,613,852 alleles (0.00062%); highest among the groups gnomAD compares: Non-Finnish European, 0.00076%; no homozygotes.

Submission:

Labcorp Genetics (formerly Invitae), Labcorp
Classification: Uncertain significance for Hyperkalemic periodic paralysis. Last evaluated: 2023-10-04. Review status: criteria provided, single submitter. Criteria: Invitae Variant Classification Sherloc (09022015). Collection method: clinical testing. Allele origin: germline.
Comment: This sequence change replaces serine, which is neutral and polar, with asparagine, which is neutral and polar, at codon 1788 of the SCN4A protein (p.Ser1788Asn). This variant is not present in population databases (gnomAD no frequency). This variant has not been reported in the literature in individuals affected with SCN4A-related conditions. Advanced modeling of protein sequence and biophysical properties (such as structural, functional, and spatial information, amino acid conservation, physicochemical variation, residue mobility, and thermodynamic stability) has been performed at Invitae for this missense variant, however the output from this modeling did not meet the statistical confidence thresholds required to predict the impact of this variant on SCN4A protein function. In summary, the available evidence is currently insufficient to determine the role of this variant in disease. Therefore, it has been classified as a Variant of Uncertain Significance.